The following is an entry in ClinVar:

NM_001367561.1(DOCK7):c.5463T>A (p.Leu1821=)

Gene: DOCK7 (dedicator of cytokinesis 7; minus strand). Cytogenetic location: 1p31.3.
Variant type: single nucleotide variant.
Coding change: c.5463T>A on transcript NM_001367561.1 (MANE Select); coding-DNA position 5463, T replaced by A.
Protein change: p.Leu1821=; no amino-acid change (leucine 1821 retained).
Molecular consequence: synonymous variant.
Genome position (GRCh38, 1-based): chr1:62,488,964, A>T on the plus strand (T>A on the coding strand, the complement: DOCK7 is on the minus strand). VCF-style: chr1-62488964-A-T. GRCh37 (hg19) VCF-style: chr1-62954635-A-T.
Other names: c.5436T>A, p.Leu1812= (NM_001271999.2, NM_001330614.2); c.5343T>A, p.Leu1781= (NM_001272000.2, NM_001272001.2); c.5370T>A, p.Leu1790= (NM_033407.4).
Identifiers: ClinVar variation 475161 (VCV000475161.35), dbSNP rs201081054, ClinGen allele CA885464.

ClinVar aggregate classification (germline): Likely benign. Review status: criteria provided, multiple submitters, no conflicts (2 of 4 stars). 3 submissions from 3 submitters: Likely benign (3). Last evaluated 2025-04-02.

Conditions:
Developmental and epileptic encephalopathy, 23 (DEE23). Also called: Epileptic encephalopathy, early infantile, 23. Identifiers: Orphanet 411986, MedGen C4014492, MONDO:0014371, OMIM 615859.

Allele frequency attached by ClinVar (database versions not stated): gnomAD 0.00006 and 0.00008; gnomAD exomes 0.00009 and 0.00019; TOPMed 0.00011; ExAC 0.00013; 1000 Genomes Project 30x 0.00031; 1000 Genomes Project 0.00040.
gnomAD v4.1: 149 of 1,613,722 alleles (0.0092%); highest among the groups gnomAD compares: East Asian, 0.32%; no homozygotes.

Submissions (3):

Labcorp Genetics (formerly Invitae), Labcorp
Classification: Likely benign for Developmental and epileptic encephalopathy, 23. Last evaluated: 2025-04-02. Review status: criteria provided, single submitter. Criteria: Invitae Variant Classification Sherloc (09022015). Collection method: clinical testing. Allele origin: germline.

Blueprint Genetics
Classification: Likely benign. Last evaluated: 2024-06-07. Review status: criteria provided, single submitter. Criteria: ACMG Guidelines, 2015. Collection method: clinical testing. Allele origin: germline.

CeGaT Center for Human Genetics Tuebingen
Classification: Likely benign. Last evaluated: 2024-02-01. Review status: criteria provided, single submitter. Criteria: CeGaT Center For Human Genetics Tuebingen Variant Classification Criteria Version 2. Collection method: clinical testing. Allele origin: germline. Affected: yes. Observed: 1 variant allele.
Comment: DOCK7: BP4, BP7